The following is an entry in ClinVar:

NM_001130009.3(GEN1):c.550A>G (p.Met184Val)

Gene: GEN1 (GEN1 structure-specific endonuclease; plus strand). Cytogenetic location: 2p24.2.
Variant type: single nucleotide variant.
Coding change: c.550A>G on transcript NM_001130009.3 (MANE Select); coding-DNA position 550, A replaced by G.
Protein change: p.Met184Val; replaces methionine 184 with valine.
Molecular consequence: missense variant.
Genome position (GRCh38, 1-based): chr2:17,766,603, A>G. VCF-style: chr2-17766603-A-G. GRCh37 (hg19) VCF-style: chr2-17947870-A-G.
Other names: c.550A>G (NM_001130009.1); c.550A>G, p.Met184Val (NM_182625.5); short protein forms M184V.
Identifiers: ClinVar variation 1056410 (VCV001056410.10), dbSNP rs140068646, ClinGen allele CA1540471.

ClinVar aggregate classification (germline): Uncertain significance. Review status: criteria provided, multiple submitters, no conflicts (2 of 4 stars). 2 submissions from 2 submitters: Uncertain significance (2). Last evaluated 2024-12-02.

Submissions (2):

Ambry Genetics
Classification: Uncertain significance. Last evaluated: 2024-12-02. Review status: criteria provided, single submitter. Criteria: Ambry Variant Classification Scheme 2023. Collection method: clinical testing. Allele origin: germline.
Comment: The p.M184V variant (also known as c.550A>G), located in coding exon 4 of the GEN1 gene, results from an A to G substitution at nucleotide position 550. The methionine at codon 184 is replaced by valine, an amino acid with highly similar properties. This amino acid position is conserved. In addition, this alteration is predicted to be tolerated by in silico analysis. Based on the available evidence, the clinical significance of this variant remains unclear.

Labcorp Genetics (formerly Invitae), Labcorp
Classification: Uncertain significance. Last evaluated: 2024-01-09. Review status: criteria provided, single submitter. Criteria: Invitae Variant Classification Sherloc (09022015). Collection method: clinical testing. Allele origin: germline.
Comment: This sequence change replaces methionine, which is neutral and non-polar, with valine, which is neutral and non-polar, at codon 184 of the GEN1 protein (p.Met184Val). This variant is present in population databases (rs140068646, gnomAD 0.009%). This variant has not been reported in the literature in individuals affected with GEN1-related conditions. ClinVar contains an entry for this variant (Variation ID: 1056410). Algorithms developed to predict the effect of missense changes on protein structure and function output the following: SIFT: "Not Available"; PolyPhen-2: "Benign"; Align-GVGD: "Not Available". The valine amino acid residue is found in multiple mammalian species, which suggests that this missense change does not adversely affect protein function. In summary, the available evidence is currently insufficient to determine the role of this variant in disease. Therefore, it has been classified as a Variant of Uncertain Significance.